The following is an entry in ClinVar:

NM_024741.3(ZNF408):c.656C>T (p.Pro219Leu)

Gene: ZNF408 (zinc finger protein 408; plus strand). Cytogenetic location: 11p11.2.
Variant type: single nucleotide variant.
Coding change: c.656C>T on transcript NM_024741.3 (MANE Select); coding-DNA position 656, C replaced by T.
Protein change: p.Pro219Leu; replaces proline 219 with leucine.
Molecular consequence: missense variant.
Genome position (GRCh38, 1-based): chr11:46,704,356, C>T. VCF-style: chr11-46704356-C-T. GRCh37 (hg19) VCF-style: chr11-46725906-C-T.
Other names: c.632C>T, p.Pro211Leu (NM_001184751.2); short protein forms P219L, P211L.
Identifiers: ClinVar variation 1936709 (VCV001936709.5), dbSNP rs370484737, ClinGen allele CA380253890.

ClinVar aggregate classification (germline): Uncertain significance (1 of 4 stars; one submission).

Allele frequency attached by ClinVar (database versions not stated): gnomAD exomes below 0.00001.
gnomAD v4.1: 2 of 1,584,534 alleles (0.00013%); highest among the groups gnomAD compares: African/African-American, 0.0013%; no homozygotes.

Submission:

Labcorp Genetics (formerly Invitae), Labcorp
Classification: Uncertain significance. Last evaluated: 2025-01-27. Review status: criteria provided, single submitter. Criteria: Invitae Variant Classification Sherloc (09022015). Collection method: clinical testing. Allele origin: germline.
Comment: This sequence change replaces proline, which is neutral and non-polar, with leucine, which is neutral and non-polar, at codon 219 of the ZNF408 protein (p.Pro219Leu). The frequency data for this variant in the population databases is considered unreliable, as metrics indicate poor data quality at this position in the gnomAD database. This variant has not been reported in the literature in individuals affected with ZNF408-related conditions. ClinVar contains an entry for this variant (Variation ID: 1936709). An algorithm developed to predict the effect of missense changes on protein structure and function outputs the following: PolyPhen-2: "Benign". The leucine amino acid residue is found in multiple mammalian species, which suggests that this missense change does not adversely affect protein function. In summary, the available evidence is currently insufficient to determine the role of this variant in disease. Therefore, it has been classified as a Variant of Uncertain Significance.